The following is an entry in ClinVar:

ClinVar aggregate classification (germline): Uncertain significance. Review status: criteria provided, multiple submitters, no conflicts (2 of 4 stars). 2 submissions from 2 submitters: Uncertain significance (2). Last evaluated 2025-07-31.

Conditions:
Ehlers-Danlos syndrome due to tenascin-X deficiency (EDSCLL1). Also called: EDS DUE TO TNX DEFICIENCY; TNXB-Related Classical-Like Ehlers-Danlos Syndrome; TNX DEFICIENCY; EHLERS-DANLOS SYNDROME, CLASSIC-LIKE; Ehlers-Danlos syndrome, classic-like, 1. Identifiers: Orphanet 230839, MedGen C1848029, MONDO:0011670, OMIM 606408.
Vesicoureteral reflux 8 (VUR8). Identifiers: Orphanet 289365, MedGen C4014831, MONDO:0014422, OMIM 615963.
Cardiovascular phenotype. Identifiers: MedGen CN230736.

Allele frequency attached by ClinVar (database versions not stated): gnomAD 0.00001.

Submissions (2):

Ambry Genetics
Classification: Uncertain significance for Cardiovascular phenotype. Last evaluated: 2025-07-31. Review status: criteria provided, single submitter. Criteria: Ambry Variant Classification Scheme 2023. Collection method: clinical testing. Allele origin: germline.

Center for Genomics, Ann and Robert H. Lurie Children's Hospital of Chicago
Classification: Uncertain significance for Ehlers-Danlos syndrome due to tenascin-X deficiency; Vesicoureteral reflux 8. Review status: criteria provided, single submitter. Criteria: ACMG Guidelines, 2015. Collection method: clinical testing. Allele origin: germline.
Comment: TNXB NM_019105.6 exon 32 c.10627G>A (p.Glu3543Lys): This variant has not been reported in the literature and is absent from large control databases. This variant amino acid Lysine (Lys) is present in another species (star nosed-mole); this suggests that this variant may not impact the protein, though conservation is unclear. Additional computational prediction tools do not suggest an impact. In summary, data on this variant is insufficient for disease classification. Therefore, the clinical significance of this variant is uncertain.

NM_001365276.2(TNXB):c.10633G>A (p.Glu3545Lys)

Genes: TNXB (tenascin XB; minus strand), LOC106780803 (tenascin XB recombination region; plus strand). Cytogenetic location: 6p21.33.
Variant type: single nucleotide variant.
Coding change: c.10633G>A on transcript NM_001365276.2 (MANE Select); coding-DNA position 10633, G replaced by A.
Protein change: p.Glu3545Lys; replaces glutamic acid 3545 with lysine.
Molecular consequence: missense variant. On other transcripts: 5 prime UTR variant (1).
Genome position (GRCh38, 1-based): chr6:32,045,300, C>T on the plus strand (G>A on the coding strand, the complement: TNXB is on the minus strand). VCF-style: chr6-32045300-C-T. GRCh37 (hg19) VCF-style: chr6-32013077-C-T.
Other names: c.10627G>A, p.Glu3543Lys (NM_019105.8); c.-81G>A (NM_032470.4); c.10627G>A (NM_019105.6); short protein forms E3543K, E3545K.
Identifiers: ClinVar variation 626034 (VCV000626034.4), dbSNP rs1379154957, ClinGen allele CA363527527.